The following is an entry in ClinVar:

NC_000003.11:g.(?_188118572)_(192126012_?)del

Genes: CCDC50 (coiled-coil domain containing 50; plus strand), CLDN1 (claudin 1; minus strand), CLDN16 (claudin 16; plus strand), FGF12 (fibroblast growth factor 12; minus strand), GMNC (geminin coiled-coil domain containing; minus strand) and 10 more. Cytogenetic location: 3q28.
Variant type: Deletion.
Identifiers: ClinVar variation 2424746 (VCV002424746.3).

ClinVar aggregate classification (germline): Uncertain significance (1 of 4 stars; one submission).

Conditions:
TP63-Related Spectrum Disorders.

Submission:

Labcorp Genetics (formerly Invitae), Labcorp
Classification: Uncertain significance. Last evaluated: 2022-03-08. Review status: criteria provided, single submitter. Criteria: Invitae Variant Classification Sherloc (09022015). Collection method: clinical testing. Allele origin: germline.
Comment: In summary, the available evidence is currently insufficient to determine the role of this variant in disease. Therefore, it has been classified as a Variant of Uncertain Significance. Isolated whole-gene deletion of TP63 have not been reported in the literature. However, larger copy number events that include this gene have been reported (PMID: 32211073). A gross deletion of the genomic region encompassing the full coding sequence of the TP63 gene has been identified. The current clinical and genetic evidence is not sufficient to establish whether loss-of-function variants in TP63 cause disease. The boundaries of this event are unknown as they extend beyond the assayed region for this gene and therefore may encompass additional genes.

Literature cited by the submitters: PubMed 32211073.